The following is an entry in ClinVar:

ClinVar aggregate classification (germline): Uncertain significance (1 of 4 stars; one submission).

Conditions:
Familial sleep-related hypermotor epilepsy. Also called: Autosomal Dominant Sleep-Related Hypermotor (Hyperkinetic) Epilepsy. Identifiers: Orphanet 98784, MedGen C3696898, MONDO:0000030.

Allele frequency attached by ClinVar (database versions not stated): gnomAD exomes 0.00001 and below 0.00001; gnomAD 0.00001; TOPMed 0.00001.
gnomAD v4.1: 14 of 1,613,710 alleles (0.00087%); highest among the groups gnomAD compares: Non-Finnish European, 0.0011%; no homozygotes.

Submission:

Labcorp Genetics (formerly Invitae), Labcorp
Classification: Uncertain significance. Last evaluated: 2022-10-17. Review status: criteria provided, single submitter. Criteria: Invitae Variant Classification Sherloc (09022015). Collection method: clinical testing. Allele origin: germline.
Comment: ClinVar contains an entry for this variant (Variation ID: 1499553). This variant has not been reported in the literature in individuals affected with CHRNA4-related conditions. This variant is present in population databases (no rsID available, gnomAD 0.0009%). This sequence change replaces isoleucine, which is neutral and non-polar, with valine, which is neutral and non-polar, at codon 233 of the CHRNA4 protein (p.Ile233Val). Advanced modeling of protein sequence and biophysical properties (such as structural, functional, and spatial information, amino acid conservation, physicochemical variation, residue mobility, and thermodynamic stability) performed at Invitae indicates that this missense variant is not expected to disrupt CHRNA4 protein function. In summary, the available evidence is currently insufficient to determine the role of this variant in disease. Therefore, it has been classified as a Variant of Uncertain Significance.

NM_000744.7(CHRNA4):c.697A>G (p.Ile233Val)

Gene: CHRNA4 (cholinergic receptor nicotinic alpha 4 subunit; minus strand). Cytogenetic location: 20q13.33.
Variant type: single nucleotide variant.
Coding change: c.697A>G on transcript NM_000744.7 (MANE Select); coding-DNA position 697, A replaced by G.
Protein change: p.Ile233Val; replaces isoleucine 233 with valine.
Molecular consequence: missense variant. On other transcripts: non-coding transcript variant (1).
Genome position (GRCh38, 1-based): chr20:63,350,714, T>C on the plus strand (A>G on the coding strand, the complement: CHRNA4 is on the minus strand). VCF-style: chr20-63350714-T-C. GRCh37 (hg19) VCF-style: chr20-61982066-T-C.
Other names: c.169A>G, p.Ile57Val (NM_001256573.2); short protein forms I57V, I233V.
Identifiers: ClinVar variation 1499553 (VCV001499553.6), dbSNP rs1362651443, ClinGen allele CA409637108.